The following is an entry in ClinVar:

NM_015047.3(EMC1):c.531G>A (p.Met177Ile)

Gene: EMC1 (ER membrane protein complex subunit 1; minus strand). Cytogenetic location: 1p36.13.
Variant type: single nucleotide variant.
Coding change: c.531G>A on transcript NM_015047.3 (MANE Select); coding-DNA position 531, G replaced by A.
Protein change: p.Met177Ile; replaces methionine 177 with isoleucine.
Molecular consequence: missense variant.
Genome position (GRCh38, 1-based): chr1:19,241,121, C>T on the plus strand (G>A on the coding strand, the complement: EMC1 is on the minus strand). VCF-style: chr1-19241121-C-T. GRCh37 (hg19) VCF-style: chr1-19567615-C-T.
Other names: c.531G>A, p.Met177Ile (NM_001271427.2, NM_001271428.2, NM_001375820.1 and 1 more transcripts); c.465G>A, p.Met155Ile (NM_001271429.2); c.531G>A (NM_015047.1); short protein forms M155I, M177I.
Identifiers: ClinVar variation 1469407 (VCV001469407.7), dbSNP rs773011767, ClinGen allele CA652867.

ClinVar aggregate classification (germline): Uncertain significance. Review status: criteria provided, multiple submitters, no conflicts (2 of 4 stars). 2 submissions from 2 submitters: Uncertain significance (2). Last evaluated 2026-01-01.

Conditions:
Inborn genetic diseases. Identifiers: MedGen C0950123, MeSH D030342.

Allele frequency attached by ClinVar (database versions not stated): gnomAD 0.00001; gnomAD exomes 0.00002 and 0.00004; ExAC 0.00003; TOPMed 0.00003.

Submissions (2):

Labcorp Genetics (formerly Invitae), Labcorp
Classification: Uncertain significance. Last evaluated: 2026-01-01. Review status: criteria provided, single submitter. Criteria: Invitae Variant Classification Sherloc (09022015). Collection method: clinical testing. Allele origin: germline.
Comment: This sequence change replaces methionine, which is neutral and non-polar, with isoleucine, which is neutral and non-polar, at codon 177 of the EMC1 protein (p.Met177Ile). This variant is present in population databases (rs773011767, gnomAD 0.05%). This variant has not been reported in the literature in individuals affected with EMC1-related conditions. ClinVar contains an entry for this variant (Variation ID: 1469407). Invitae Evidence Modeling of protein sequence and biophysical properties (such as structural, functional, and spatial information, amino acid conservation, physicochemical variation, residue mobility, and thermodynamic stability) indicates that this missense variant is not expected to disrupt EMC1 protein function with a negative predictive value of 80%. In summary, the available evidence is currently insufficient to determine the role of this variant in disease. Therefore, it has been classified as a Variant of Uncertain Significance.

Ambry Genetics
Classification: Uncertain significance for Inborn genetic diseases. Last evaluated: 2024-08-28. Review status: criteria provided, single submitter. Criteria: Ambry Variant Classification Scheme 2023. Collection method: clinical testing. Allele origin: germline.